The following is an entry in ClinVar:

ClinVar aggregate classification (germline): Benign. Review status: criteria provided, multiple submitters, no conflicts (2 of 4 stars). 12 submissions from 11 submitters: Benign (11). 1 of the submissions does not count toward it. Last evaluated 2026-02-03.

Conditions:
Cardiomyopathy, dilated, 2E. Identifiers: MedGen C5561970, MONDO:0030366, OMIM 619492.
Cardiovascular phenotype. Identifiers: MedGen CN230736.
Long QT syndrome (LQTS). Identifiers: MedGen C0023976, MeSH D008133, MONDO:0002442. Disease mechanism: loss of function. Inheritance: Various modes of inheritance.
Hypertrophic cardiomyopathy 17. Identifiers: MedGen C3151264, MONDO:0013474, OMIM 613873.
Hypertrophic cardiomyopathy. Also called: HYPERTROPHIC MYOCARDIOPATHY. Identifiers: Orphanet 217569, MedGen C0007194, MeSH D002312, MONDO:0005045, HP:0001639.

Allele frequency attached by ClinVar (database versions not stated): ESP Exome Variant Server 0.19714; gnomAD 0.19815 and 0.20153; TOPMed 0.20787; 1000 Genomes Project 30x 0.26827; 1000 Genomes Project 0.27037.
gnomAD v4.1: 243,430 of 1,610,126 alleles (15%); highest among the groups gnomAD compares: East Asian, 41%; 23,257 homozygotes.

Submissions (12):

Labcorp Genetics (formerly Invitae), Labcorp
Classification: Benign for Hypertrophic cardiomyopathy. Last evaluated: 2026-02-03. Review status: criteria provided, single submitter. Criteria: Invitae Variant Classification Sherloc (09022015). Collection method: clinical testing. Allele origin: germline.

Mayo Clinic Laboratories, Mayo Clinic
Classification: Benign. Last evaluated: 2022-04-26. Review status: criteria provided, single submitter. Criteria: ACMG Guidelines, 2015. Collection method: clinical testing. Allele origin: germline. Observed: 268 variant alleles.

Genome-Nilou Lab
Classification: Benign for Cardiomyopathy, dilated, 2E. Last evaluated: 2021-08-19. Review status: criteria provided, single submitter. Criteria: ACMG Guidelines, 2015. Collection method: clinical testing. Allele origin: germline. Affected: no.

Genome-Nilou Lab
Classification: Benign for Hypertrophic cardiomyopathy 17. Last evaluated: 2021-08-19. Review status: criteria provided, single submitter. Criteria: ACMG Guidelines, 2015. Collection method: clinical testing. Allele origin: germline. Affected: no.

Molecular Diagnostic Laboratory for Inherited Cardiovascular Disease, Montreal Heart Institute
Classification: Benign for Congenital long QT syndrome. Last evaluated: 2016-06-06. Review status: criteria provided, single submitter. Criteria: ACMG Guidelines, 2015. Collection method: clinical testing. Allele origin: germline. Affected: yes.

Clinical Genetics DNA and cytogenetics Diagnostics Lab, Erasmus MC, Erasmus Medical Center
Classification: Benign for Hypertrophic cardiomyopathy 17. Last evaluated: 2015-09-21. Review status: criteria provided, single submitter. Criteria: ACGS Guidelines, 2013. Collection method: clinical testing. Allele origin: germline. Affected: yes. Study: VKGL Data-share Consensus.

Ambry Genetics
Classification: Benign for Cardiovascular phenotype. Last evaluated: 2015-06-15. Review status: criteria provided, single submitter. Criteria: Ambry Variant Classification Scheme 2023. Collection method: clinical testing. Allele origin: germline.

Laboratory for Molecular Medicine, Mass General Brigham Personalized Medicine
Classification: Benign. Last evaluated: 2014-11-24. Review status: criteria provided, single submitter. Criteria: LMM Criteria. Collection method: clinical testing. Allele origin: germline. Observed: 164 variant alleles.
Comment: Ala396Thr in exon 3 of JPH2: This variant is not expected to have clinical signi ficance because it has been identified in 33.0% (1455/4406) of African American chromosomes from a broad population by the NHLBI Exome Sequencing Project (dbSNP rs3810510).

GeneDx
Classification: Benign. Last evaluated: 2013-12-10. Review status: criteria provided, single submitter. Criteria: GeneDx Variant Classification (06012015). Collection method: clinical testing. Allele origin: germline. Affected: yes.
Comment: This variant is considered likely benign or benign based on one or more of the following criteria: it is a conservative change, it occurs at a poorly conserved position in the protein, it is predicted to be benign by multiple in silico algorithms, and/or has population frequency not consistent with disease.

Biesecker Lab/Clinical Genomics Section, National Institutes of Health
Classification: Benign. Last evaluated: 2013-06-24. Review status: criteria provided, single submitter. Criteria: Ng et al. (Circ Cardiovasc Genet. 2013). Collection method: research. Allele origin: unknown. Observed: 232 variant alleles. Study: ClinSeq.
Comment: The study set was not selected for affection status in relation to any cancer. Pathogenicity categories were based on literature curation. See Pubmed ID:23861362 for details.

Medical sequencing

Breakthrough Genomics
Classification: Benign. Review status: criteria provided, single submitter. Criteria: ACMG Guidelines, 2015. Collection method: not provided. Allele origin: germline. Inheritance: Autosomal recessive inheritance. Affected: yes.

Clinical Genetics, Academic Medical Center
Classification: Benign. Review status: no assertion criteria provided. Collection method: clinical testing. Allele origin: germline. Affected: yes. Study: VKGL Data-share Consensus. Not counted in ClinVar's aggregate classification.

NM_020433.5(JPH2):c.1186G>A (p.Ala396Thr)

Gene: JPH2 (junctophilin 2; minus strand). Cytogenetic location: 20q13.12.
Variant type: single nucleotide variant.
Coding change: c.1186G>A on transcript NM_020433.5 (MANE Select); coding-DNA position 1186, G replaced by A.
Protein change: p.Ala396Thr; replaces alanine 396 with threonine.
Molecular consequence: missense variant.
Genome position (GRCh38, 1-based): chr20:44,118,607, C>T on the plus strand (G>A on the coding strand, the complement: JPH2 is on the minus strand). VCF-style: chr20-44118607-C-T. GRCh37 (hg19) VCF-style: chr20-42747247-C-T.
Other names: p.A396T:GCC>ACC; short protein forms A396T.
Identifiers: ClinVar variation 137607 (VCV000137607.27), dbSNP rs3810510, ClinGen allele CA200001.